The following is an entry in ClinVar:

ClinVar aggregate classification (germline): Likely benign. Review status: criteria provided, single submitter (1 of 4 stars). 2 submissions from 2 submitters: Likely benign (1). 1 of the submissions does not count toward it. Last evaluated 2024-10-21.

Conditions:
ABCA4-related disorder. Also called: ABCA4-related condition; ABCA4-related disorders. Identifiers: MedGen CN239167.

Allele frequency attached by ClinVar (database versions not stated): gnomAD 0.00001.
gnomAD v4.1: 7 of 1,550,306 alleles (0.00045%); highest among the groups gnomAD compares: African/African-American, 0.0027%; no homozygotes.

Submissions (2):

Labcorp Genetics (formerly Invitae), Labcorp
Classification: Likely benign. Last evaluated: 2024-10-21. Review status: criteria provided, single submitter. Criteria: Invitae Variant Classification Sherloc (09022015). Collection method: clinical testing. Allele origin: germline.

PreventionGenetics, part of Exact Sciences
Classification: Likely benign for ABCA4-related condition. Last evaluated: 2020-11-30. Review status: no assertion criteria provided. Collection method: clinical testing. Allele origin: germline. Not counted in ClinVar's aggregate classification.
Comment: This variant is classified as likely benign based on ACMG/AMP sequence variant interpretation guidelines (Richards et al. 2015 PMID: 25741868, with internal and published modifications).

NM_000350.3(ABCA4):c.4536C>T (p.Pro1512=)

Gene: ABCA4 (ATP binding cassette subfamily A member 4; minus strand). Cytogenetic location: 1p22.1.
Variant type: single nucleotide variant.
Coding change: c.4536C>T on transcript NM_000350.3 (MANE Select); coding-DNA position 4536, C replaced by T.
Protein change: p.Pro1512=; no amino-acid change (proline 1512 retained).
Molecular consequence: synonymous variant.
Genome position (GRCh38, 1-based): chr1:94,029,448, G>A on the plus strand (C>T on the coding strand, the complement: ABCA4 is on the minus strand). VCF-style: chr1-94029448-G-A. GRCh37 (hg19) VCF-style: chr1-94495004-G-A.
Other names: c.4314C>T, p.Pro1438= (NM_001425324.1).
Identifiers: ClinVar variation 1653366 (VCV001653366.10), dbSNP rs764982444, ClinGen allele CA26853416.
Genomic context (GRCh38, chr1:94,029,448, plus strand): 5'-CCCCTAGTCCCTCTGTGGCAGGCAGACCTGGGGCCCCGTTGTTTGGAGGTCAGGTACCTG[G>A]GGGGGCGGGAGGCCCCCGGCACCCTCGGGGCACTCTGGCAGCATGGTGAGCTTCTCCCTG-3'
Protein context (NP_000341.2, residues 1502-1522): CPEGAGGLPP[Pro1512=]QRTQRSTEIL